The following is an entry in ClinVar:

ClinVar aggregate classification (germline): Uncertain significance (1 of 4 stars; one submission).

Conditions:
Adenylosuccinate lyase deficiency (ADSLD). Also called: ADSL DEFICIENCY. Identifiers: Orphanet 46, MedGen C0268126, MONDO:0007068, OMIM 103050.

Allele frequency attached by ClinVar (database versions not stated): gnomAD 0.00005 and 0.00006; TOPMed 0.00009.

Submission:

Labcorp Genetics (formerly Invitae), Labcorp
Classification: Uncertain significance for Adenylosuccinate lyase deficiency. Last evaluated: 2022-02-03. Review status: criteria provided, single submitter. Criteria: Invitae Variant Classification Sherloc (09022015). Collection method: clinical testing. Allele origin: germline.
Comment: This variant occurs in a non-coding region of the ADSL gene. It does not change the encoded amino acid sequence of the ADSL protein. This variant is not present in population databases (gnomAD no frequency). This variant has not been reported in the literature in individuals affected with ADSL-related conditions. Experimental studies and prediction algorithms are not available or were not evaluated, and the functional significance of this variant is currently unknown. In summary, the available evidence is currently insufficient to determine the role of this variant in disease. Therefore, it has been classified as a Variant of Uncertain Significance.

NC_000022.11:g.40345994G>C

Gene: ADSL (adenylosuccinate lyase; plus strand). Cytogenetic location: 22q13.1.
Variant type: single nucleotide variant.
Genome position: GRCh38 VCF-style: chr22-40345994-G-C. GRCh37 (hg19) VCF-style: chr22-40741998-G-C.
Identifiers: ClinVar variation 1354366 (VCV001354366.3), dbSNP rs1032678851, ClinGen allele CA324446474.